The following is an entry in ClinVar:

ClinVar aggregate classification (germline): Uncertain significance (1 of 4 stars; one submission).

Submission:

GeneDx
Classification: Uncertain significance. Last evaluated: 2025-07-10. Review status: criteria provided, single submitter. Criteria: GeneDx Variant Classification Process June 2021. Collection method: clinical testing. Allele origin: germline. Affected: yes.
Comment: Not observed at significant frequency in large population cohorts (gnomAD); In silico analysis supports that this missense variant has a deleterious effect on protein structure/function; Has not been previously published as pathogenic or benign to our knowledge; In silico analysis suggests this variant may impact gene splicing. In the absence of RNA/functional studies, the actual effect of this sequence change is unknown.

NM_001400225.1(MGA):c.3172T>G (p.Cys1058Gly)

Gene: MGA (MAX dimerization protein MGA; plus strand). Cytogenetic location: 15q15.1.
Variant type: single nucleotide variant.
Coding change: c.3172T>G on transcript NM_001400225.1 (MANE Select); coding-DNA position 3172, T replaced by G.
Protein change: p.Cys1058Gly; replaces cysteine 1058 with glycine.
Molecular consequence: missense variant.
Genome position (GRCh38, 1-based): chr15:41,713,238, T>G. VCF-style: chr15-41713238-T-G. GRCh37 (hg19) VCF-style: chr15-42005436-T-G.
Other names: c.3172T>G, p.Cys1058Gly (NM_001080541.3, NM_001164273.2, NM_001400242.1); short protein forms C1058G.
Identifiers: ClinVar variation 4685037 (VCV004685037.1).